The following is an entry in ClinVar:

ClinVar aggregate classification (germline): Uncertain significance. Review status: criteria provided, multiple submitters, no conflicts (2 of 4 stars). 2 submissions from 2 submitters: Uncertain significance (2). Last evaluated 2024-11-23.

Allele frequency attached by ClinVar (database versions not stated): gnomAD 0.00001; TOPMed 0.00001.
gnomAD v4.1: 2 of 1,613,212 alleles (0.00012%); highest among the groups gnomAD compares: Non-Finnish European, 0.00017%; no homozygotes.

Submissions (2):

Ambry Genetics
Classification: Uncertain significance. Last evaluated: 2024-11-23. Review status: criteria provided, single submitter. Criteria: Ambry Variant Classification Scheme 2023. Collection method: clinical testing. Allele origin: germline.
Comment: The p.T850A variant (also known as c.2548A>G), located in coding exon 13 of the GEN1 gene, results from an A to G substitution at nucleotide position 2548. The threonine at codon 850 is replaced by alanine, an amino acid with similar properties. This amino acid position is conserved. In addition, this alteration is predicted to be tolerated by in silico analysis. Based on the available evidence, the clinical significance of this variant remains unclear.

Labcorp Genetics (formerly Invitae), Labcorp
Classification: Uncertain significance. Last evaluated: 2022-03-17. Review status: criteria provided, single submitter. Criteria: Invitae Variant Classification Sherloc (09022015). Collection method: clinical testing. Allele origin: germline.
Comment: This variant has not been reported in the literature in individuals affected with GEN1-related conditions. Algorithms developed to predict the effect of missense changes on protein structure and function output the following: SIFT: "Tolerated"; PolyPhen-2: "Benign"; Align-GVGD: "Class C0". The alanine amino acid residue is found in multiple mammalian species, which suggests that this missense change does not adversely affect protein function. In summary, the available evidence is currently insufficient to determine the role of this variant in disease. Therefore, it has been classified as a Variant of Uncertain Significance. This variant is not present in population databases (gnomAD no frequency). This sequence change replaces threonine, which is neutral and polar, with alanine, which is neutral and non-polar, at codon 850 of the GEN1 protein (p.Thr850Ala).

NM_001130009.3(GEN1):c.2548A>G (p.Thr850Ala)

Gene: GEN1 (GEN1 structure-specific endonuclease; plus strand). Cytogenetic location: 2p24.2.
Variant type: single nucleotide variant.
Coding change: c.2548A>G on transcript NM_001130009.3 (MANE Select); coding-DNA position 2548, A replaced by G.
Protein change: p.Thr850Ala; replaces threonine 850 with alanine.
Molecular consequence: missense variant.
Genome position (GRCh38, 1-based): chr2:17,781,760, A>G. VCF-style: chr2-17781760-A-G. GRCh37 (hg19) VCF-style: chr2-17963027-A-G.
Other names: c.2548A>G (NM_001130009.1); c.2548A>G, p.Thr850Ala (NM_182625.5); short protein forms T850A.
Identifiers: ClinVar variation 2169767 (VCV002169767.5), dbSNP rs1293219099, ClinGen allele CA345928301.
Genomic context (GRCh38, chr2:17,781,760, plus strand): 5'-TCCCATTTCAAAGAAAGTGGCCATAACAAGTTGAGTAGCCCTAAGATACATATTAAAGAA[A>G]CTGAACAGTGTGTCAGATCTTATGAAACAGCTGAAAATGAAGAAAGCTGTTTCCCAGATT-3'
Protein context (NP_001123481.3, residues 840-860): LSSPKIHIKE[Thr850Ala]EQCVRSYETA